The following is an entry in ClinVar:

NM_001243279.3(ACSF3):c.1524G>A (p.Pro508=)

Gene: ACSF3 (acyl-CoA synthetase family member 3; plus strand). Cytogenetic location: 16q24.3.
Variant type: single nucleotide variant.
Coding change: c.1524G>A on transcript NM_001243279.3 (MANE Select); coding-DNA position 1524, G replaced by A.
Protein change: p.Pro508=; no amino-acid change (proline 508 retained).
Molecular consequence: synonymous variant. On other transcripts: non-coding transcript variant (4).
Genome position (GRCh38, 1-based): chr16:89,145,960, G>A. VCF-style: chr16-89145960-G-A. GRCh37 (hg19) VCF-style: chr16-89212368-G-A.
Other names: c.1524G>A, p.Pro508= (NM_001127214.4, NM_174917.5); c.729G>A, p.Pro243= (NM_001284316.2).
Identifiers: ClinVar variation 707922 (VCV000707922.14), dbSNP rs375187216, ClinGen allele CA8238278.

ClinVar aggregate classification (germline): Likely benign. Review status: criteria provided, multiple submitters, no conflicts (2 of 4 stars). 4 submissions from 4 submitters: Likely benign (2). 2 of the submissions do not count toward it. Last evaluated 2024-11-11.

Conditions:
ACSF3-related disorder. Also called: ACSF3-related condition.
Combined malonic and methylmalonic acidemia. Identifiers: Orphanet 289504, MedGen C3280314, MONDO:0013661, OMIM 614265.

Allele frequency attached by ClinVar (database versions not stated): gnomAD 0.00003; TOPMed 0.00003; ESP Exome Variant Server 0.00008.

Submissions (4):

Blueprint Genetics
Classification: Likely benign. Last evaluated: 2024-11-11. Review status: criteria provided, single submitter. Criteria: ACMG Guidelines, 2015. Collection method: clinical testing. Allele origin: germline.

Labcorp Genetics (formerly Invitae), Labcorp
Classification: Likely benign for Combined malonic and methylmalonic acidemia. Last evaluated: 2024-10-22. Review status: criteria provided, single submitter. Criteria: Invitae Variant Classification Sherloc (09022015). Collection method: clinical testing. Allele origin: germline.

Natera, Inc.
Classification: Uncertain significance for Combined malonic and methylmalonic aciduria. Last evaluated: 2020-05-01. Review status: no assertion criteria provided. Collection method: clinical testing. Allele origin: germline. Not counted in ClinVar's aggregate classification.

PreventionGenetics, part of Exact Sciences
Classification: Likely benign for ACSF3-related condition. Last evaluated: 2019-03-02. Review status: no assertion criteria provided. Collection method: clinical testing. Allele origin: germline. Not counted in ClinVar's aggregate classification.
Comment: This variant is classified as likely benign based on ACMG/AMP sequence variant interpretation guidelines (Richards et al. 2015 PMID: 25741868, with internal and published modifications).